The following is an entry in ClinVar:

NM_018062.4(FANCL):c.1109T>C (p.Met370Thr)

Genes: FANCL (FA complementation group L; minus strand), VRK2 (VRK serine/threonine kinase 2; plus strand). Cytogenetic location: 2p16.1.
Variant type: single nucleotide variant.
Coding change: c.1109T>C on transcript NM_018062.4 (MANE Select); coding-DNA position 1109, T replaced by C.
Protein change: p.Met370Thr; replaces methionine 370 with threonine.
Molecular consequence: missense variant. On other transcripts: 3 prime UTR variant (9).
Genome position (GRCh38, 1-based): chr2:58,159,784, A>G on the plus strand (T>C on the coding strand, the complement: FANCL is on the minus strand). VCF-style: chr2-58159784-A-G. GRCh37 (hg19) VCF-style: chr2-58386919-A-G.
Other names: c.1124T>C, p.Met375Thr (NM_001114636.2); c.1154T>C, p.Met385Thr (NM_001374615.1); c.1169T>C, p.Met390Thr (NM_001410792.1); c.*91A>G (NM_001130480.2, NM_001130481.2, NM_001130482.2 and 4 more transcripts); c.*476A>G (NM_001130483.2, NM_001288838.2); short protein forms M375T, M370T, M385T, M390T.
Identifiers: ClinVar variation 1432654 (VCV001432654.5), dbSNP rs1684813547, ClinGen allele CA346930707.

ClinVar aggregate classification (germline): Uncertain significance (1 of 4 stars; one submission).

Conditions:
Fanconi anemia (FA). Also called: Fanconi's anemia. Identifiers: Orphanet 84, MedGen C0015625, MeSH D005199, MONDO:0019391.

Allele frequency attached by ClinVar (database versions not stated): TOPMed 0.00003.

Submission:

Labcorp Genetics (formerly Invitae), Labcorp
Classification: Uncertain significance for Fanconi anemia. Last evaluated: 2021-08-26. Review status: criteria provided, single submitter. Criteria: Invitae Variant Classification Sherloc (09022015). Collection method: clinical testing. Allele origin: germline.
Comment: This sequence change replaces methionine with threonine at codon 370 of the FANCL protein (p.Met370Thr). The methionine residue is highly conserved and there is a moderate physicochemical difference between methionine and threonine. This variant is not present in population databases (ExAC no frequency). This variant has not been reported in the literature in individuals affected with FANCL-related conditions. Algorithms developed to predict the effect of missense changes on protein structure and function are either unavailable or do not agree on the potential impact of this missense change (SIFT: "Tolerated"; PolyPhen-2: "Possibly Damaging"; Align-GVGD: "Class C0"). In summary, the available evidence is currently insufficient to determine the role of this variant in disease. Therefore, it has been classified as a Variant of Uncertain Significance.